The following is an entry in ClinVar:

ClinVar aggregate classification (germline): Uncertain significance (1 of 4 stars; one submission).

Submission:

CeGaT Center for Human Genetics Tuebingen
Classification: Uncertain significance. Last evaluated: 2026-02-01. Review status: criteria provided, single submitter. Criteria: CeGaT Center For Human Genetics Tuebingen Variant Classification Criteria Version 2. Collection method: clinical testing. Allele origin: germline. Affected: yes. Observed: 1 variant allele.
Comment: COL6A3: PM2, BP4

NM_004369.4(COL6A3):c.3058G>A (p.Ala1020Thr)

Gene: COL6A3 (collagen type VI alpha 3 chain; minus strand). Cytogenetic location: 2q37.3.
Variant type: single nucleotide variant.
Coding change: c.3058G>A on transcript NM_004369.4 (MANE Select); coding-DNA position 3058, G replaced by A.
Protein change: p.Ala1020Thr; replaces alanine 1020 with threonine.
Molecular consequence: missense variant.
Genome position (GRCh38, 1-based): chr2:237,376,784, C>T on the plus strand (G>A on the coding strand, the complement: COL6A3 is on the minus strand). VCF-style: chr2-237376784-C-T. GRCh37 (hg19) VCF-style: chr2-238285427-C-T.
Other names: c.1837G>A, p.Ala613Thr (NM_057164.5); c.2440G>A, p.Ala814Thr (NM_057165.5, NM_057167.4); c.1237G>A, p.Ala413Thr (NM_057166.5); short protein forms A1020T, A413T, A613T, A814T.
Identifiers: ClinVar variation 4823375 (VCV004823375.4).